The following is an entry in ClinVar:

NM_000368.5(TSC1):c.1065G>T (p.Met355Ile)

Gene: TSC1 (TSC complex subunit 1; minus strand). Cytogenetic location: 9q34.13.
Variant type: single nucleotide variant.
Coding change: c.1065G>T on transcript NM_000368.5 (MANE Select); coding-DNA position 1065, G replaced by T.
Protein change: p.Met355Ile; replaces methionine 355 with isoleucine.
Molecular consequence: missense variant.
Genome position (GRCh38, 1-based): chr9:132,911,078, C>A on the plus strand (G>T on the coding strand, the complement: TSC1 is on the minus strand). VCF-style: chr9-132911078-C-A. GRCh37 (hg19) VCF-style: chr9-135786465-C-A.
Other names: c.912G>T, p.Met304Ile (NM_001406612.1, NM_001406613.1, NM_001162427.2 and 2 more transcripts); c.702G>T, p.Met234Ile (NM_001406614.1, NM_001406615.1, NM_001406616.1 and 10 more transcripts); c.1065G>T, p.Met355Ile (NM_001162426.2, NM_001406592.1, NM_001406593.1 and 16 more transcripts); c.114G>T, p.Met38Ile (NM_001406626.1, NM_001406627.1, NM_001406628.1); c.15G>T, p.Met5Ile (NM_001406629.1, NM_001406630.1); short protein forms M355I, M234I, M38I, M5I, M304I.
Identifiers: ClinVar variation 1781634 (VCV001781634.7), dbSNP rs878853958, ClinGen allele CA375367718.

ClinVar aggregate classification (germline): Uncertain significance. Review status: criteria provided, multiple submitters, no conflicts (2 of 4 stars). 2 submissions from 2 submitters: Uncertain significance (2). Last evaluated 2023-12-01.

Conditions:
Hereditary cancer-predisposing syndrome. Also called: Tumor predisposition; Neoplastic Syndromes, Hereditary; Hereditary Cancer Syndrome; Hereditary neoplastic syndrome. Identifiers: Orphanet 140162, MedGen C0027672, MeSH D009386, MONDO:0015356.
Tuberous sclerosis 1 (TSC1). Identifiers: Orphanet 805, MedGen C1854465, MONDO:0008612, OMIM 191100.

Submissions (2):

Ambry Genetics
Classification: Uncertain significance for Hereditary cancer-predisposing syndrome. Last evaluated: 2023-12-01. Review status: criteria provided, single submitter. Criteria: Ambry Variant Classification Scheme 2023. Collection method: clinical testing. Allele origin: germline.
Comment: The p.M355I variant (also known as c.1065G>T), located in coding exon 9 of the TSC1 gene, results from a G to T substitution at nucleotide position 1065. The methionine at codon 355 is replaced by isoleucine, an amino acid with highly similar properties. This amino acid position is well conserved in available vertebrate species. In addition, the in silico prediction for this alteration is inconclusive. Since supporting evidence is limited at this time, the clinical significance of this alteration remains unclear.

Labcorp Genetics (formerly Invitae), Labcorp
Classification: Uncertain significance for Tuberous sclerosis 1. Last evaluated: 2022-03-12. Review status: criteria provided, single submitter. Criteria: Invitae Variant Classification Sherloc (09022015). Collection method: clinical testing. Allele origin: germline.
Comment: This sequence change replaces methionine, which is neutral and non-polar, with isoleucine, which is neutral and non-polar, at codon 355 of the TSC1 protein (p.Met355Ile). In summary, the available evidence is currently insufficient to determine the role of this variant in disease. Therefore, it has been classified as a Variant of Uncertain Significance. Algorithms developed to predict the effect of missense changes on protein structure and function are either unavailable or do not agree on the potential impact of this missense change (SIFT: "Tolerated"; PolyPhen-2: "Possibly Damaging"; Align-GVGD: "Class C0"). This variant has not been reported in the literature in individuals affected with TSC1-related conditions. This variant is not present in population databases (gnomAD no frequency).